The following is an entry in ClinVar:

ClinVar aggregate classification (germline): Benign. Review status: criteria provided, multiple submitters, no conflicts (2 of 4 stars). 2 submissions from 2 submitters: Benign (2). Last evaluated 2018-01-12.

Conditions:
Amyotrophic lateral sclerosis type 9 (ALS9). Identifiers: Orphanet 803, MedGen C2678468, MONDO:0012753, OMIM 611895.

Allele frequency attached by ClinVar (database versions not stated): gnomAD exomes 0.07143; 1000 Genomes Project 0.09784; gnomAD 0.10842 and 0.10899; TOPMed 0.11300; 1000 Genomes Project 30x 0.09806.
gnomAD v4.1: 16,519 of 152,262 alleles (11%); highest among the groups gnomAD compares: Middle Eastern, 13%; 918 homozygotes.

Submissions (2):

Illumina Laboratory Services, Illumina
Classification: Benign for Amyotrophic lateral sclerosis type 9. Last evaluated: 2018-01-12. Review status: criteria provided, single submitter. Criteria: ICSL Variant Classification Criteria 13 December 2019. Collection method: clinical testing. Allele origin: germline.
Comment: This variant was observed in the ICSL laboratory as part of a predisposition screen in an ostensibly healthy population. It had not been previously curated by ICSL or reported in the Human Gene Mutation Database (HGMD: prior to June 1st, 2018), and was therefore a candidate for classification through an automated scoring system. Utilizing variant allele frequency, disease prevalence and penetrance estimates, and inheritance mode, an automated score was calculated to assess if this variant is too frequent to cause the disease. Based on the score and internal cut-off values, a variant classified as benign is not then subjected to further curation. The score for this variant resulted in a classification of benign for this disease.

Breakthrough Genomics
Classification: Benign. Review status: criteria provided, single submitter. Criteria: ACMG Guidelines, 2015. Collection method: not provided. Allele origin: germline. Inheritance: Unknown mechanism. Affected: yes.

NM_001145.4(ANG):c.-332C>A

Genes: ANG (angiogenin; plus strand), LOC130055269 (ATAC-STARR-seq lymphoblastoid silent region 5574; plus strand). Cytogenetic location: 14q11.2.
Variant type: single nucleotide variant.
Coding change: c.-332C>A on transcript NM_001145.4; 332 bases upstream of the start codon, C replaced by A.
Molecular consequence: 5 prime UTR variant.
Genome position (GRCh38, 1-based): chr14:20,684,445, C>A. VCF-style: chr14-20684445-C-A. GRCh37 (hg19) VCF-style: chr14-21152604-C-A.
Identifiers: ClinVar variation 312768 (VCV000312768.8), dbSNP rs28589501, ClinGen allele CA10634693.
Genomic context (GRCh38, chr14:20,684,445, plus strand): 5'-AGGAAGGAGCGCGGATCCCAGGCTCGTTCTTTGCCTGGGCTGCCCCTGCGGCCCCTGGGG[C>A]GGGTGCTGCTGCGGCGCCAGCTCCAAGGGCGGATCCAGGCGGGAGGGGCCTCCTCGGAGA-3'